The following is an entry in ClinVar:

ClinVar aggregate classification (germline): Uncertain significance. Review status: criteria provided, multiple submitters, no conflicts (2 of 4 stars). 2 submissions from 2 submitters: Uncertain significance (2). Last evaluated 2023-10-13.

Conditions:
Primary ciliary dyskinesia. Also called: Ciliary dyskinesia. Identifiers: Orphanet 244, MedGen C0008780, MONDO:0016575, HP:0012265.

gnomAD v4.1: 2 of 1,208,490 alleles (0.00017%); no homozygotes.

Submissions (2):

Labcorp Genetics (formerly Invitae), Labcorp
Classification: Uncertain significance for Primary ciliary dyskinesia. Last evaluated: 2023-10-13. Review status: criteria provided, single submitter. Criteria: Invitae Variant Classification Sherloc (09022015). Collection method: clinical testing. Allele origin: germline.
Comment: This sequence change replaces alanine, which is neutral and non-polar, with aspartic acid, which is acidic and polar, at codon 23 of the RPGR protein (p.Ala23Asp). This variant is not present in population databases (gnomAD no frequency). This variant has not been reported in the literature in individuals affected with RPGR-related conditions. ClinVar contains an entry for this variant (Variation ID: 1376768). Advanced modeling of protein sequence and biophysical properties (such as structural, functional, and spatial information, amino acid conservation, physicochemical variation, residue mobility, and thermodynamic stability) performed at Invitae indicates that this missense variant is not expected to disrupt RPGR protein function. In summary, the available evidence is currently insufficient to determine the role of this variant in disease. Therefore, it has been classified as a Variant of Uncertain Significance.

Ambry Genetics
Classification: Uncertain significance for Primary ciliary dyskinesia. Last evaluated: 2023-07-05. Review status: criteria provided, single submitter. Criteria: Ambry Variant Classification Scheme 2023. Collection method: clinical testing. Allele origin: germline.

NM_001034853.2(RPGR):c.68C>A (p.Ala23Asp)

Gene: RPGR (retinitis pigmentosa GTPase regulator; minus strand). Cytogenetic location: Xp11.4.
Variant type: single nucleotide variant.
Coding change: c.68C>A on transcript NM_001034853.2 (MANE Select); coding-DNA position 68, C replaced by A.
Protein change: p.Ala23Asp; replaces alanine 23 with aspartic acid.
Molecular consequence: missense variant. On other transcripts: non-coding transcript variant (6).
Genome position (GRCh38, 1-based): chrX:38,323,485, G>T on the plus strand (C>A on the coding strand, the complement: RPGR is on the minus strand). VCF-style: chrX-38323485-G-T. GRCh37 (hg19) VCF-style: chrX-38182738-G-T.
Other names: c.68C>A, p.Ala23Asp (NM_000328.3, NM_001367245.1, NM_001367246.1 and 4 more transcripts); c.68C>A (NM_000328.2); c.98C>A, p.Ala33Asp (NM_001367248.1); short protein forms A33D, A23D.
Identifiers: ClinVar variation 1376768 (VCV001376768.10), dbSNP rs2147291804, ClinGen allele CA412746035.
Genomic context (GRCh38, chrX:38,323,485, plus strand): 5'-CCACATGAAAGATGTACAGGGACATCATTTTTAAACCAGAATTTACCGGGATTATTTTCA[G>T]CAAATTTACTTTTCCCAAATGTAAACACAGCACCCGAATCTGCAAATATAAGACGGTCTT-3'
Protein context (NP_001030025.1, residues 13-33): AVFTFGKSKF[Ala23Asp]ENNPGKFWFK